The following is an entry in ClinVar:

NM_005751.5(AKAP9):c.4550T>C (p.Leu1517Pro)

Gene: AKAP9 (A-kinase anchoring protein 9; plus strand). Cytogenetic location: 7q21.2.
Variant type: single nucleotide variant.
Coding change: c.4550T>C on transcript NM_005751.5 (MANE Select); coding-DNA position 4550, T replaced by C.
Protein change: p.Leu1517Pro; replaces leucine 1517 with proline.
Molecular consequence: missense variant.
Genome position (GRCh38, 1-based): chr7:92,038,630, T>C. VCF-style: chr7-92038630-T-C. GRCh37 (hg19) VCF-style: chr7-91667944-T-C.
Other names: c.4550T>C, p.Leu1517Pro (NM_147185.3); c.4550T>C (NM_005751.4); short protein forms L1517P.
Identifiers: ClinVar variation 1436122 (VCV001436122.12), dbSNP rs763681864, ClinGen allele CA4336587.
Genomic context (GRCh38, chr7:92,038,630, plus strand): 5'-AAATTGGTTTTCAGACTTTTGAGACAGTGGATGTGAAATTTAAAGAAGAATTTAAACCAC[T>C]TAGTAAAGAGTTAGGAGAACATGGAAAGGAAATTTTATTATCAAATAGTGATCCCCATGA-3'
Protein context (NP_005742.4, residues 1507-1527): DVKFKEEFKP[Leu1517Pro]SKELGEHGKE

ClinVar aggregate classification (germline): Uncertain significance. Review status: criteria provided, multiple submitters, no conflicts (2 of 4 stars). 4 submissions from 4 submitters: Uncertain significance (4). Last evaluated 2024-10-08.

Conditions:
Cardiovascular phenotype. Identifiers: MedGen CN230736.
Long QT syndrome (LQTS). Identifiers: MedGen C0023976, MeSH D008133, MONDO:0002442. Disease mechanism: loss of function. Inheritance: Various modes of inheritance.
Long QT syndrome 11 (LQT11). Identifiers: Orphanet 101016, Orphanet 768, MedGen C2678483, MONDO:0012738, OMIM 611820.

Allele frequency attached by ClinVar (database versions not stated): ExAC 0.00001; gnomAD exomes 0.00001; TOPMed 0.00001.
gnomAD v4.1: 16 of 1,613,582 alleles (0.00099%); highest among the groups gnomAD compares: Non-Finnish European, 0.0014%; no homozygotes.

Submissions (4):

Blueprint Genetics
Classification: Uncertain significance. Last evaluated: 2024-10-08. Review status: criteria provided, single submitter. Criteria: ACMG Guidelines, 2015. Collection method: clinical testing. Allele origin: germline.

Ambry Genetics
Classification: Uncertain significance for Cardiovascular phenotype. Last evaluated: 2024-09-11. Review status: criteria provided, single submitter. Criteria: Ambry Variant Classification Scheme 2023. Collection method: clinical testing. Allele origin: germline.
Comment: The p.L1517P variant (also known as c.4550T>C), located in coding exon 17 of the AKAP9 gene, results from a T to C substitution at nucleotide position 4550. The leucine at codon 1517 is replaced by proline, an amino acid with similar properties. This amino acid position is conserved. In addition, the in silico prediction for this alteration is inconclusive. Based on the available evidence, the clinical significance of this variant remains unclear.

Fulgent Genetics
Classification: Uncertain significance for Long QT syndrome 11. Last evaluated: 2021-08-11. Review status: criteria provided, single submitter. Criteria: ACMG Guidelines, 2015. Collection method: clinical testing. Allele origin: unknown.

Labcorp Genetics (formerly Invitae), Labcorp
Classification: Uncertain significance for Long QT syndrome. Last evaluated: 2020-12-01. Review status: criteria provided, single submitter. Criteria: Invitae Variant Classification Sherloc (09022015). Collection method: clinical testing. Allele origin: germline.
Comment: In summary, the available evidence is currently insufficient to determine the role of this variant in disease. Therefore, it has been classified as a Variant of Uncertain Significance. Algorithms developed to predict the effect of missense changes on protein structure and function are either unavailable or do not agree on the potential impact of this missense change (SIFT: "Deleterious"; PolyPhen-2: "Probably Damaging"; Align-GVGD: "Class C0"). This variant has not been reported in the literature in individuals with AKAP9-related conditions. This variant is present in population databases (rs763681864, ExAC 0.002%). This sequence change replaces leucine with proline at codon 1517 of the AKAP9 protein (p.Leu1517Pro). The leucine residue is moderately conserved and there is a moderate physicochemical difference between leucine and proline.